The following is an entry in ClinVar:

NM_001743.6(CALM2):c.35-257A>G

Gene: CALM2 (calmodulin 2; minus strand). Cytogenetic location: 2p21.
Variant type: single nucleotide variant.
Coding change: c.35-257A>G on transcript NM_001743.6 (MANE Select); 257 bases into the intron before coding-DNA position 35, A replaced by G.
Molecular consequence: intron variant.
Genome position (GRCh38, 1-based): chr2:47,162,919, T>C on the plus strand (A>G on the coding strand, the complement: CALM2 is on the minus strand). VCF-style: chr2-47162919-T-C. GRCh37 (hg19) VCF-style: chr2-47390058-T-C.
Other names: c.179-257A>G (NM_001305624.1); c.-74-257A>G (NM_001305626.1, NM_001305625.2).
Identifiers: ClinVar variation 683290 (VCV000683290.2), dbSNP rs17036325, ClinGen allele CA46691985.
Genomic context (GRCh38, chr2:47,162,919, plus strand): 5'-AGGTAGCAATTGAAATGTGACTTTGACTCCTAAAGATTAACCAATCTTTATGATACCTTA[T>C]GATAATATTTCAAATATATCTTTGACCAATCATACCACTGTACTTTCATGCTGACCTAAG-3'

ClinVar aggregate classification (germline): Benign. Review status: criteria provided, multiple submitters, no conflicts (2 of 4 stars). 2 submissions from 2 submitters: Benign (2). Last evaluated 2018-06-19.

Allele frequency attached by ClinVar (database versions not stated): gnomAD exomes 0.11174; gnomAD 0.15295 and 0.15342; TOPMed 0.16289; 1000 Genomes Project 0.17192; 1000 Genomes Project 30x 0.17723.
gnomAD v4.1: 43,093 of 329,162 alleles (13%); highest among the groups gnomAD compares: African/African-American, 26%; 3,490 homozygotes.

Submissions (2):

GeneDx
Classification: Benign. Last evaluated: 2018-06-19. Review status: criteria provided, single submitter. Criteria: GeneDx Variant Classification (06012015). Collection method: clinical testing. Allele origin: germline. Affected: yes.
Comment: This variant is considered likely benign or benign based on one or more of the following criteria: it is a conservative change, it occurs at a poorly conserved position in the protein, it is predicted to be benign by multiple in silico algorithms, and/or has population frequency not consistent with disease.

Breakthrough Genomics
Classification: Benign. Review status: criteria provided, single submitter. Criteria: ACMG Guidelines, 2015. Collection method: not provided. Allele origin: germline. Inheritance: Autosomal dominant inheritance. Affected: yes.